The following is an entry in ClinVar:

NM_015512.5(DNAH1):c.8984G>C (p.Ser2995Thr)

Gene: DNAH1 (dynein axonemal heavy chain 1; plus strand). Cytogenetic location: 3p21.1.
Variant type: single nucleotide variant.
Coding change: c.8984G>C on transcript NM_015512.5 (MANE Select); coding-DNA position 8984, G replaced by C.
Protein change: p.Ser2995Thr; replaces serine 2995 with threonine.
Molecular consequence: missense variant.
Genome position (GRCh38, 1-based): chr3:52,386,834, G>C. VCF-style: chr3-52386834-G-C. GRCh37 (hg19) VCF-style: chr3-52420850-G-C.
Other names: short protein forms S2995T.
Identifiers: ClinVar variation 2126551 (VCV002126551.4), dbSNP rs2153225372, ClinGen allele CA353192915.

ClinVar aggregate classification (germline): Uncertain significance (1 of 4 stars; one submission).

Conditions:
Spermatogenic failure 18. Identifiers: MedGen C4539783, MONDO:0054615, OMIM 617576.
Ciliary dyskinesia, primary, 37 (CILD37). Also called: CILIARY DYSKINESIA, PRIMARY, 37, WITH OR WITHOUT SITUS INVERSUS. Identifiers: MedGen C4539798, MONDO:0033204, OMIM 617577.

Submission:

Labcorp Genetics (formerly Invitae), Labcorp
Classification: Uncertain significance for Ciliary dyskinesia, primary, 37; Spermatogenic failure 18. Last evaluated: 2022-04-15. Review status: criteria provided, single submitter. Criteria: Invitae Variant Classification Sherloc (09022015). Collection method: clinical testing. Allele origin: germline.
Comment: This sequence change replaces serine, which is neutral and polar, with threonine, which is neutral and polar, at codon 2995 of the DNAH1 protein (p.Ser2995Thr). This variant is not present in population databases (gnomAD no frequency). This variant has not been reported in the literature in individuals affected with DNAH1-related conditions. Algorithms developed to predict the effect of missense changes on protein structure and function are either unavailable or do not agree on the potential impact of this missense change (SIFT: "Deleterious"; PolyPhen-2: "Benign"; Align-GVGD: "Class C0"). In summary, the available evidence is currently insufficient to determine the role of this variant in disease. Therefore, it has been classified as a Variant of Uncertain Significance.